The following is an entry in ClinVar:

ClinVar aggregate classification (germline): Benign (1 of 4 stars; one submission).

Conditions:
Oligodontia-cancer predisposition syndrome. Also called: TOOTH AGENESIS-COLORECTAL CANCER SYNDROME. Identifiers: Orphanet 300576, MedGen C1837750, MONDO:0012075, OMIM 608615. Disease mechanism: loss of function.

Submission:

Myriad Genetics, Inc.
Classification: Benign for Oligodontia-cancer predisposition syndrome. Last evaluated: 2024-06-25. Review status: criteria provided, single submitter. Criteria: Myriad Autosomal Dominant, Autosomal Recessive and X-Linked Classification Criteria (2023). Collection method: clinical testing. Allele origin: unknown.
Comment: This variant is considered benign. This variant is a silent/synonymous amino acid change and it is not expected to impact splicing.

NM_004655.4(AXIN2):c.202C>A (p.Arg68=)

Gene: AXIN2 (axin 2; minus strand). Cytogenetic location: 17q24.1.
Variant type: single nucleotide variant.
Coding change: c.202C>A on transcript NM_004655.4 (MANE Select); coding-DNA position 202, C replaced by A.
Protein change: p.Arg68=; no amino-acid change (arginine 68 retained).
Molecular consequence: synonymous variant.
Genome position (GRCh38, 1-based): chr17:65,558,419, G>T on the plus strand (C>A on the coding strand, the complement: AXIN2 is on the minus strand). VCF-style: chr17-65558419-G-T. GRCh37 (hg19) VCF-style: chr17-63554537-G-T.
Other names: c.202C>A, p.Arg68= (NM_001363813.1).
Identifiers: ClinVar variation 3254244 (VCV003254244.1), dbSNP rs2144589777.
Genomic context (GRCh38, chr17:65,558,419, plus strand): 5'-CGCCCAATAAGGAGTGTAAGGACTTGGTCCACCGGGTCAGAGGGGAATCCGGAGATGCCC[G>T]CCCCTCCGGCTCCCCCAACCCATCTTCGTTCCGCCTGGTGTTGGAAGAGACAGGCATGGG-3'
Protein context (NP_004646.3, residues 58-78): NEDGLGEPEG[Arg68=]ASPDSPLTRW